The following is an entry in ClinVar:

NM_019098.5(CNGB3):c.1315G>T (p.Gly439Cys)

Gene: CNGB3 (cyclic nucleotide gated channel subunit beta 3; minus strand). Cytogenetic location: 8q21.3.
Variant type: single nucleotide variant.
Coding change: c.1315G>T on transcript NM_019098.5 (MANE Select); coding-DNA position 1315, G replaced by T.
Protein change: p.Gly439Cys; replaces glycine 439 with cysteine.
Molecular consequence: missense variant.
Genome position (GRCh38, 1-based): chr8:86,632,757, C>A on the plus strand (G>T on the coding strand, the complement: CNGB3 is on the minus strand). VCF-style: chr8-86632757-C-A. GRCh37 (hg19) VCF-style: chr8-87644985-C-A.
Other names: short protein forms G439C.
Identifiers: ClinVar variation 1373492 (VCV001373492.6), dbSNP rs201825105, ClinGen allele CA371444039.

ClinVar aggregate classification (germline): Uncertain significance (1 of 4 stars; one submission).

Allele frequency attached by ClinVar (database versions not stated): TOPMed below 0.00001.

Submission:

Labcorp Genetics (formerly Invitae), Labcorp
Classification: Uncertain significance. Last evaluated: 2025-12-09. Review status: criteria provided, single submitter. Criteria: Invitae Variant Classification Sherloc (09022015). Collection method: clinical testing. Allele origin: germline.
Comment: This sequence change replaces glycine, which is neutral and non-polar, with cysteine, which is neutral and slightly polar, at codon 439 of the CNGB3 protein (p.Gly439Cys). This variant is not present in population databases (gnomAD no frequency). This variant has not been reported in the literature in individuals affected with CNGB3-related conditions. ClinVar contains an entry for this variant (Variation ID: 1373492). Invitae Evidence Modeling of protein sequence and biophysical properties (such as structural, functional, and spatial information, amino acid conservation, physicochemical variation, residue mobility, and thermodynamic stability) has been performed for this missense variant. However, the output from this modeling did not meet the statistical confidence thresholds required to predict the impact of this variant on CNGB3 protein function. In summary, the available evidence is currently insufficient to determine the role of this variant in disease. Therefore, it has been classified as a Variant of Uncertain Significance.